The following is an entry in ClinVar:

NM_000038.6(APC):c.1441G>T (p.Val481Leu)

Gene: APC (APC regulator of Wnt signaling pathway; plus strand). Cytogenetic location: 5q22.2.
Variant type: single nucleotide variant.
Coding change: c.1441G>T on transcript NM_000038.6 (MANE Select); coding-DNA position 1441, G replaced by T.
Protein change: p.Val481Leu; replaces valine 481 with leucine.
Molecular consequence: missense variant.
Genome position (GRCh38, 1-based): chr5:112,827,140, G>T. VCF-style: chr5-112827140-G-T. GRCh37 (hg19) VCF-style: chr5-112162837-G-T.
Other names: c.1441G>T, p.Val481Leu (NM_001127510.3, NM_001354895.2, NM_001407450.1); c.1387G>T, p.Val463Leu (NM_001127511.3); c.1495G>T, p.Val499Leu (NM_001354896.2, NM_001407447.1, NM_001407448.1 and 1 more transcripts); c.1471G>T, p.Val491Leu (NM_001354897.2); c.1366G>T, p.Val456Leu (NM_001354898.2); c.1357G>T, p.Val453Leu (NM_001354899.2); c.1318G>T, p.Val440Leu (NM_001354900.2); c.1264G>T, p.Val422Leu (NM_001354901.2, NM_001407453.1); and 11 more; short protein forms V198L, V321L, V352L, V355L, V380L, V390L, V398L, V422L.
Identifiers: ClinVar variation 1720820 (VCV001720820.6), dbSNP rs587780542, ClinGen allele CA16024458.

ClinVar aggregate classification (germline): Uncertain significance (1 of 4 stars; one submission).

Conditions:
Familial adenomatous polyposis 1 (FAP1). Also called: FAMILIAL ADENOMATOUS POLYPOSIS 1, ATTENUATED; POLYPOSIS, ADENOMATOUS INTESTINAL. Identifiers: MedGen C2713442, MONDO:0021056, OMIM 175100. Disease mechanism: loss of function.

Submission:

Labcorp Genetics (formerly Invitae), Labcorp
Classification: Uncertain significance for Familial adenomatous polyposis 1. Last evaluated: 2024-04-22. Review status: criteria provided, single submitter. Criteria: Invitae Variant Classification Sherloc (09022015). Collection method: clinical testing. Allele origin: germline.
Comment: This sequence change replaces valine, which is neutral and non-polar, with leucine, which is neutral and non-polar, at codon 481 of the APC protein (p.Val481Leu). This variant is not present in population databases (gnomAD no frequency). This variant has not been reported in the literature in individuals affected with APC-related conditions. ClinVar contains an entry for this variant (Variation ID: 1720820). Advanced modeling of protein sequence and biophysical properties (such as structural, functional, and spatial information, amino acid conservation, physicochemical variation, residue mobility, and thermodynamic stability) performed at Invitae indicates that this missense variant is not expected to disrupt APC protein function with a negative predictive value of 95%. In summary, the available evidence is currently insufficient to determine the role of this variant in disease. Therefore, it has been classified as a Variant of Uncertain Significance.